The following is an entry in ClinVar:

NM_000428.3(LTBP2):c.1979G>A (p.Arg660His)

Gene: LTBP2 (latent transforming growth factor beta binding protein 2; minus strand). Cytogenetic location: 14q24.3.
Variant type: single nucleotide variant.
Coding change: c.1979G>A on transcript NM_000428.3 (MANE Select); coding-DNA position 1979, G replaced by A.
Protein change: p.Arg660His; replaces arginine 660 with histidine.
Molecular consequence: missense variant.
Genome position (GRCh38, 1-based): chr14:74,532,434, C>T on the plus strand (G>A on the coding strand, the complement: LTBP2 is on the minus strand). VCF-style: chr14-74532434-C-T. GRCh37 (hg19) VCF-style: chr14-74999137-C-T.
Other names: short protein forms R660H.
Identifiers: ClinVar variation 1908603 (VCV001908603.2), dbSNP rs140341018, ClinGen allele CA7269692.

ClinVar aggregate classification (germline): Uncertain significance (1 of 4 stars; one submission).

Allele frequency attached by ClinVar (database versions not stated): TOPMed 0.00009.
gnomAD v4.1: 87 of 1,613,874 alleles (0.0054%); highest among the groups gnomAD compares: East Asian, 0.085%; no homozygotes.

Submission:

Labcorp Genetics (formerly Invitae), Labcorp
Classification: Uncertain significance. Last evaluated: 2022-07-11. Review status: criteria provided, single submitter. Criteria: Invitae Variant Classification Sherloc (09022015). Collection method: clinical testing. Allele origin: germline.
Comment: This sequence change replaces arginine, which is basic and polar, with histidine, which is basic and polar, at codon 660 of the LTBP2 protein (p.Arg660His). This variant is present in population databases (rs140341018, gnomAD 0.2%). This variant has not been reported in the literature in individuals affected with LTBP2-related conditions. Algorithms developed to predict the effect of missense changes on protein structure and function output the following: SIFT: "Deleterious"; PolyPhen-2: "Benign"; Align-GVGD: "Class C25". The histidine amino acid residue is found in multiple mammalian species, which suggests that this missense change does not adversely affect protein function. In summary, the available evidence is currently insufficient to determine the role of this variant in disease. Therefore, it has been classified as a Variant of Uncertain Significance.